The following is an entry in ClinVar:

ClinVar aggregate classification (germline): Uncertain significance. Review status: criteria provided, multiple submitters, no conflicts (2 of 4 stars). 2 submissions from 2 submitters: Uncertain significance (2). Last evaluated 2025-03-14.

Conditions:
Wolcott-Rallison dysplasia. Also called: MED-IDDM SYNDROME; Wolcott-Rallison syndrome. Identifiers: Orphanet 1667, MedGen C0432217, MONDO:0009192, OMIM 226980.

Allele frequency attached by ClinVar (database versions not stated): gnomAD 0.00001; gnomAD exomes 0.00001; ExAC 0.00002; TOPMed 0.00002; ESP Exome Variant Server 0.00008.
gnomAD v4.1: 18 of 1,614,060 alleles (0.0011%); highest among the groups gnomAD compares: South Asian, 0.013%; no homozygotes.

Submissions (2):

Clinical Genomics Laboratory, Washington University in St. Louis
Classification: Uncertain significance for Wolcott-Rallison dysplasia. Last evaluated: 2025-03-14. Review status: criteria provided, single submitter. Criteria: ACMG Guidelines, 2015. Collection method: clinical testing. Allele origin: germline.
Comment: An EIF2AK3 c.2126T>C (p.Ile709Thr) variant was identified in a heterozygous state. To our knowledge, this variant has not been reported in the medical literature. The EIF2AK3 c.2126T>C (p.Ile709Thr) variant has been reported in the ClinVar database as a germline variant of uncertain significance by a single submitter (ClinVar ID: 2069603). This variant is only observed in 6/251,118 alleles in the general population (gnomAD v2.1.1), indicating it is not a common variant. Computational predictors suggest that this variant does not impact EIF2AK3 function. Due to limited information, and based on ACMG/AMP guidelines for variant interpretation (Richards S et al., PMID: 25741868), the clinical significance of this variant is uncertain at this time.

Labcorp Genetics (formerly Invitae), Labcorp
Classification: Uncertain significance. Last evaluated: 2022-08-22. Review status: criteria provided, single submitter. Criteria: Invitae Variant Classification Sherloc (09022015). Collection method: clinical testing. Allele origin: germline.
Comment: This sequence change replaces isoleucine, which is neutral and non-polar, with threonine, which is neutral and polar, at codon 709 of the EIF2AK3 protein (p.Ile709Thr). This variant is present in population databases (rs374554600, gnomAD 0.02%). This variant has not been reported in the literature in individuals affected with EIF2AK3-related conditions. Algorithms developed to predict the effect of missense changes on protein structure and function (SIFT, PolyPhen-2, Align-GVGD) all suggest that this variant is likely to be tolerated. In summary, the available evidence is currently insufficient to determine the role of this variant in disease. Therefore, it has been classified as a Variant of Uncertain Significance.

NM_004836.7(EIF2AK3):c.2126T>C (p.Ile709Thr)

Genes: EIF2AK3 (eukaryotic translation initiation factor 2 alpha kinase 3; minus strand), EIF2AK3-AS1 (EIF2AK3 antisense RNA 1; plus strand). Cytogenetic location: 2p11.2.
Variant type: single nucleotide variant.
Coding change: c.2126T>C on transcript NM_004836.7 (MANE Select); coding-DNA position 2126, T replaced by C.
Protein change: p.Ile709Thr; replaces isoleucine 709 with threonine.
Molecular consequence: missense variant. On other transcripts: non-coding transcript variant (1).
Genome position (GRCh38, 1-based): chr2:88,575,357, A>G on the plus strand (T>C on the coding strand, the complement: EIF2AK3 is on the minus strand). VCF-style: chr2-88575357-A-G. GRCh37 (hg19) VCF-style: chr2-88874875-A-G.
Other names: c.1673T>C, p.Ile558Thr (NM_001313915.2); short protein forms I558T, I709T.
Identifiers: ClinVar variation 2069603 (VCV002069603.2), dbSNP rs374554600, ClinGen allele CA1754501.